The following is an entry in ClinVar:

ClinVar aggregate classification (germline): Conflicting classifications of pathogenicity. Review status: criteria provided, conflicting classifications (1 of 4 stars). 5 submissions from 4 submitters: Uncertain significance (4); Likely benign (1). Last evaluated 2025-09-29.

Conditions:
Cardiovascular phenotype. Identifiers: MedGen CN230736.
Hereditary cancer-predisposing syndrome. Also called: Hereditary Cancer Syndrome; Neoplastic Syndromes, Hereditary; Tumor predisposition; Hereditary neoplastic syndrome. Identifiers: Orphanet 140162, MedGen C0027672, MeSH D009386, MONDO:0015356.
Neurofibromatosis, type 1 (NF1). Also called: Neurofibromatosis, type I; VON RECKLINGHAUSEN DISEASE; NEUROFIBROMATOSIS, TYPE I, SOMATIC; Peripheral type neurofibromatosis. Identifiers: Orphanet 636, MedGen C0027831, MONDO:0018975, OMIM 162200. Disease mechanism: loss of function.
Juvenile myelomonocytic leukemia (JMML). Also called: LEUKEMIA, JUVENILE MYELOMONOCYTIC, SOMATIC. Identifiers: Orphanet 86834, MedGen C0349639, MONDO:0011908, OMIM 607785, HP:0012209.

Allele frequency attached by ClinVar (database versions not stated): gnomAD exomes below 0.00001.
gnomAD v4.1: 1 of 1,613,364 alleles (0.000062%); highest among the groups gnomAD compares: Admixed American, 0.0017%; no homozygotes.

Submissions (5):

Labcorp Genetics (formerly Invitae), Labcorp
Classification: Likely benign for Neurofibromatosis, type 1. Last evaluated: 2025-09-29. Review status: criteria provided, single submitter. Criteria: Invitae Variant Classification Sherloc (09022015). Collection method: clinical testing. Allele origin: germline.

Baylor Genetics
Classification: Uncertain significance for Juvenile myelomonocytic leukemia. Last evaluated: 2023-07-29. Review status: criteria provided, single submitter. Criteria: ACMG Guidelines, 2015. Collection method: clinical testing. Allele origin: unknown.

Ambry Genetics
Classification: Uncertain significance for Cardiovascular phenotype; Hereditary cancer-predisposing syndrome. Last evaluated: 2022-04-18. Review status: criteria provided, single submitter. Criteria: Ambry Variant Classification Scheme 2023. Collection method: clinical testing. Allele origin: germline.

Genome-Nilou Lab
Classification: Uncertain significance for Neurofibromatosis, type 1. Last evaluated: 2022-03-15. Review status: criteria provided, single submitter. Criteria: ACMG Guidelines, 2015. Collection method: clinical testing. Allele origin: germline. Affected: no.

Ambry Genetics
Classification: Uncertain significance for Hereditary cancer-predisposing syndrome. Last evaluated: 2015-02-26. Review status: criteria provided, single submitter. Criteria: Ambry Autosomal Dominant and X-Linked criteria (10/2015). Collection method: clinical testing. Allele origin: germline. Observed: 1 variant allele.
Comment: The p.L1731V variant (also known as c.5191T>G), located in coding exon 37 of the NF1 gene, results from a T to G substitution at nucleotide position 5191. The leucine at codon 1731 is replaced by valine, an amino acid with highly similar properties. This variant was not reported in population based cohorts in the following databases: Database of Single Nucleotide Polymorphisms (dbSNP), NHLBI Exome Sequencing Project (ESP), and 1000 Genomes Project. In the ESP, this variant was not observed in 6503 samples (13006 alleles) with coverage at this position. To date, this alteration has been detected with an allele frequency of approximately 0.003% (greater than 30000 alleles tested) in our clinical cohort. This amino acid position is highly conserved in available vertebrate species. In addition, this alteration is predicted to be possibly damaging and tolerated by PolyPhen and SIFT in silico analyses, respectively. Since supporting evidence is limited at this time, the clinical significance of p.L1731V remains unclear.

NM_001042492.3(NF1):c.5191T>G (p.Leu1731Val)

Gene: NF1 (neurofibromin 1; plus strand). Cytogenetic location: 17q11.2.
Variant type: single nucleotide variant.
Coding change: c.5191T>G on transcript NM_001042492.3 (MANE Select); coding-DNA position 5191, T replaced by G.
Protein change: p.Leu1731Val; replaces leucine 1731 with valine.
Molecular consequence: missense variant.
Genome position (GRCh38, 1-based): chr17:31,326,175, T>G. VCF-style: chr17-31326175-T-G. GRCh37 (hg19) VCF-style: chr17-29653193-T-G.
Other names: c.5128T>G, p.Leu1710Val (NM_000267.4); short protein forms L1710V, L1731V.
Identifiers: ClinVar variation 230506 (VCV000230506.13), dbSNP rs876658602, ClinGen allele CA10580342.